The following is an entry in ClinVar:

NM_001689.5(ATP5MC3):c.193A>G (p.Ile65Val)

Gene: ATP5MC3 (ATP synthase membrane subunit c locus 3; minus strand). Cytogenetic location: 2q31.1.
Variant type: single nucleotide variant.
Coding change: c.193A>G on transcript NM_001689.5 (MANE Select); coding-DNA position 193, A replaced by G.
Protein change: p.Ile65Val; replaces isoleucine 65 with valine.
Molecular consequence: missense variant.
Genome position (GRCh38, 1-based): chr2:175,179,178, T>C on the plus strand (A>G on the coding strand, the complement: ATP5MC3 is on the minus strand). VCF-style: chr2-175179178-T-C. GRCh37 (hg19) VCF-style: chr2-176043906-T-C.
Other names: c.193A>G (NM_001002258.4); c.193A>G, p.Ile65Val (NM_001002258.5, NM_001190329.2); short protein forms I65V.
Identifiers: ClinVar variation 2651550 (VCV002651550.25), dbSNP rs36089250, ClinGen allele CA1975673.

ClinVar aggregate classification (germline): Likely benign. Review status: criteria provided, multiple submitters, no conflicts (2 of 4 stars). 2 submissions from 2 submitters: Likely benign (2). Last evaluated 2026-01-01.

Conditions:
Inborn genetic diseases. Identifiers: MedGen C0950123, MeSH D030342.

Allele frequency attached by ClinVar (database versions not stated): ESP Exome Variant Server 0.00085; TOPMed 0.00114; gnomAD 0.00123; gnomAD exomes 0.00149; ExAC 0.00213; 1000 Genomes Project 30x 0.00312; 1000 Genomes Project 0.00319.
gnomAD v4.1: 2,418 of 1,614,186 alleles (0.15%); highest among the groups gnomAD compares: East Asian, 0.78%; 20 homozygotes.

Submissions (2):

CeGaT Center for Human Genetics Tuebingen
Classification: Likely benign. Last evaluated: 2026-01-01. Review status: criteria provided, single submitter. Criteria: CeGaT Center For Human Genetics Tuebingen Variant Classification Criteria Version 2. Collection method: clinical testing. Allele origin: germline. Affected: yes. Observed: 2 variant alleles.
Comment: ATP5MC3: BP4, BS2

Ambry Genetics
Classification: Likely benign for Inborn genetic diseases. Last evaluated: 2022-11-08. Review status: criteria provided, single submitter. Criteria: Ambry Variant Classification Scheme 2023. Collection method: clinical testing. Allele origin: germline.